The following is an entry in ClinVar:

NM_206933.4(USH2A):c.3862G>T (p.Glu1288Ter)

Genes: USH2A (usherin; minus strand), USH2A-AS1 (USH2A antisense RNA 1; plus strand). Cytogenetic location: 1q41.
Variant type: single nucleotide variant.
Coding change: c.3862G>T on transcript NM_206933.4 (MANE Select); coding-DNA position 3862, G replaced by T.
Protein change: p.Glu1288Ter; replaces glutamic acid 1288 with a stop codon.
Molecular consequence: nonsense.
Genome position (GRCh38, 1-based): chr1:216,198,534, C>A on the plus strand (G>T on the coding strand, the complement: USH2A is on the minus strand). VCF-style: chr1-216198534-C-A. GRCh37 (hg19) VCF-style: chr1-216371876-C-A.
Other names: c.3862G>T, p.Glu1288Ter (NM_007123.6); short protein forms E1288*.
Identifiers: ClinVar variation 1075659 (VCV001075659.7), dbSNP rs2034907262, ClinGen allele CA344867306.

ClinVar aggregate classification (germline): Pathogenic (1 of 4 stars; one submission).

Allele frequency attached by ClinVar (database versions not stated): TOPMed below 0.00001.

Submission:

Labcorp Genetics (formerly Invitae), Labcorp
Classification: Pathogenic. Last evaluated: 2024-04-15. Review status: criteria provided, single submitter. Criteria: Invitae Variant Classification Sherloc (09022015). Collection method: clinical testing. Allele origin: germline.
Comment: This sequence change creates a premature translational stop signal (p.Glu1288*) in the USH2A gene. It is expected to result in an absent or disrupted protein product. Loss-of-function variants in USH2A are known to be pathogenic (PMID: 10729113, 10909849, 20507924, 25649381). This variant is not present in population databases (gnomAD no frequency). This premature translational stop signal has been observed in individual(s) with inherited retinal dystrophy (PMID: 30029497). ClinVar contains an entry for this variant (Variation ID: 1075659). Algorithms developed to predict the effect of sequence changes on RNA splicing suggest that this variant may disrupt the consensus splice site. For these reasons, this variant has been classified as Pathogenic.

Literature cited by the submitters: PubMed 10729113; PubMed 10909849; PubMed 20507924; PubMed 25649381; PubMed 30029497.